The following is an entry in ClinVar:

ClinVar aggregate classification (germline): Conflicting classifications of pathogenicity. Review status: criteria provided, conflicting classifications (1 of 4 stars). 19 submissions from 15 submitters: Uncertain significance (11); Likely benign (6). 2 of the submissions do not count toward it. Last evaluated 2026-05-26.

Conditions:
Dilated cardiomyopathy 1G (CMD1G). Identifiers: Orphanet 154, MedGen C1858763, MONDO:0011400, OMIM 604145.
Autosomal recessive limb-girdle muscular dystrophy type 2J (LGMDR10). Also called: Limb-girdle muscular dystrophy, type 2J; MUSCULAR DYSTROPHY, LIMB-GIRDLE, AUTOSOMAL RECESSIVE 10. Identifiers: Orphanet 140922, MedGen C1837342, MONDO:0012127, OMIM 608807.
TTN-related disorder. Also called: TTN-related condition; TTN-related disease; TTN-related disorders.
Cardiovascular phenotype. Identifiers: MedGen CN230736.
Cardiomyopathy (CMYO). Also called: Cardiomyopathies. Identifiers: Orphanet 167848, MedGen C0878544, MONDO:0004994, HP:0001638. Inheritance: Various modes of inheritance.
Early-onset myopathy with fatal cardiomyopathy (CMYO5). Also called: CONGENITAL MYOPATHY 5 WITH CARDIOMYOPATHY; Salih Myopathy. Identifiers: Orphanet 289377, MedGen C2673677, MONDO:0012714, OMIM 611705. Disease mechanism: loss of function.
Tibial muscular dystrophy (TMD). Also called: Udd Distal Myopathy – Tibial Muscular Dystrophy; UDD MYOPATHY; Tibial muscular dystrophy, tardive. Identifiers: Orphanet 609, MedGen C1838244, MONDO:0010870, OMIM 600334.
Myopathy, myofibrillar, 9, with early respiratory failure (MFM9). Also called: Hereditary myopathy with early respiratory failure; EDSTROM MYOPATHY; MYOPATHY, PROXIMAL, WITH EARLY RESPIRATORY MUSCLE INVOLVEMENT; Myopathy, distal, with early respiratory failure, autosomal dominant. Identifiers: Orphanet 178464, Orphanet 34521, MedGen C1863599, MONDO:0011362, OMIM 603689.

Allele frequency attached by ClinVar (database versions not stated): ExAC 0.00005; gnomAD 0.00006 and 0.00007; gnomAD exomes 0.00008 and 0.00011; TOPMed 0.00009; ESP Exome Variant Server 0.00041.
gnomAD v4.1: 182 of 1,612,702 alleles (0.011%); highest among the groups gnomAD compares: Non-Finnish European, 0.014%; no homozygotes.

Submissions (19):

PreventionGenetics, part of Exact Sciences
Classification: Uncertain significance for TTN-related condition. Last evaluated: 2026-05-26. Review status: criteria provided, single submitter. Criteria: ACMG Guidelines, 2015. Collection method: clinical testing. Allele origin: germline.
Comment: The TTN c.63877G>A variant is predicted to result in the amino acid substitution p.Asp21293Asn. To our knowledge, this variant has not been reported in individuals with TTN-related disorders in the literature. This variant is reported in 0.013% of alleles in individuals of European (Non-Finnish) descent in gnomAD. Although we suspect that this variant may be benign, at this time, the clinical significance of this variant is uncertain due to the absence of conclusive functional and genetic evidence.

Women's Health and Genetics/Laboratory Corporation of America, LabCorp
Classification: Uncertain significance. Last evaluated: 2025-07-01. Review status: criteria provided, single submitter. Criteria: LabCorp Variant Classification Summary - May 2015. Collection method: clinical testing. Allele origin: germline.
Comment: Variant summary: TTN c.56173G>A (p.Asp18725Asn) results in a conservative amino acid change in the encoded protein sequence. Algorithms developed to predict the effect of missense changes on protein structure and function are either unavailable or do not agree on the potential impact of this missense change. The variant allele was found at a frequency of 7.7e-05 in 246780 control chromosomes. This frequency is not significantly higher than estimated for a pathogenic variant in TTN causing Autosomal Recessive Titinopathy (7.7e-05 vs 0.00039), allowing no conclusion about variant significance. c.56173G>A has been observed in at least one individual affected with sudden unexplained death without strong evidence for causality (e.g. Campuzano_2015). These report(s) do not provide unequivocal conclusions about association of the variant with Autosomal Recessive Titinopathy. To our knowledge, no experimental evidence demonstrating an impact on protein function has been reported. The following publication has been ascertained in the context of this evaluation (PMID: 26516846). ClinVar contains an entry for this variant (Variation ID: 191923). Based on the evidence outlined above, the variant was classified as uncertain significance.

Athena Diagnostics
Classification: Uncertain significance. Last evaluated: 2025-06-02. Review status: criteria provided, single submitter. Criteria: Athena Diagnostics Criteria. Collection method: clinical testing. Allele origin: unknown.
Comment: Available data are insufficient to determine the clinical significance of the variant at this time. The frequency of this variant in the general population is uninformative in assessment of its pathogenicity. In some published literature, this variant is referred to as c.56173G>A. Polyphen and MutationTaster yielded discordant predictions regarding whether this amino acid change is damaging to the protein.

Molecular Diagnostic Laboratory for Inherited Cardiovascular Disease, Montreal Heart Institute
Classification: Likely benign. Last evaluated: 2025-04-09. Review status: criteria provided, single submitter. Criteria: ACMG Guidelines, 2015. Collection method: clinical testing. Allele origin: germline. Affected: no.

Blueprint Genetics
Classification: Likely benign. Last evaluated: 2024-09-05. Review status: criteria provided, single submitter. Criteria: ACMG Guidelines, 2015. Collection method: clinical testing. Allele origin: germline.

Dasa
Classification: Uncertain significance. Last evaluated: 2024-02-29. Review status: criteria provided, single submitter. Criteria: DASA Assertion Criteria. Collection method: clinical testing. Allele origin: germline.
Comment: NM_001267550.2(TTN):c.63877G>A (p.Asp21293Asn) is a missense variant that results in the substitution of aspartic acid with asparagine. Computational prediction algorithms are consistent with a benign effect. The currently available literature and clinical evidence are not sufficient to establish a definitive association between this variant and the reported condition. Therefore, this variant is classified as a variant of uncertain significance.

CHEO Genetics Diagnostic Laboratory, Children's Hospital of Eastern Ontario
Classification: Uncertain significance for Cardiomyopathy. Last evaluated: 2021-06-03. Review status: criteria provided, single submitter. Criteria: ACMG Guidelines, 2015. Collection method: clinical testing. Allele origin: germline. Study: Canadian Open Genetics Repository.

GeneDx
Classification: Likely benign. Last evaluated: 2020-10-21. Review status: criteria provided, single submitter. Criteria: GeneDx Variant Classification Process June 2021. Collection method: clinical testing. Allele origin: germline. Affected: yes.
Comment: This variant is associated with the following publications: (PMID: 30924900)

Ambry Genetics
Classification: Likely benign for Cardiovascular phenotype. Last evaluated: 2020-07-16. Review status: criteria provided, single submitter. Criteria: Ambry Variant Classification Scheme 2023. Collection method: clinical testing. Allele origin: germline.

Revvity Omics, Revvity
Classification: Uncertain significance. Last evaluated: 2020-05-04. Review status: criteria provided, single submitter. Criteria: ACMG Guidelines, 2015. Collection method: clinical testing. Allele origin: germline.

Illumina Laboratory Services, Illumina
Classification: Uncertain significance for Dilated cardiomyopathy 1G. Last evaluated: 2018-01-13. Review status: criteria provided, single submitter. Criteria: ICSL Variant Classification Criteria 13 December 2019. Collection method: clinical testing. Allele origin: germline.

Illumina Laboratory Services, Illumina
Classification: Likely benign for Tibial muscular dystrophy. Last evaluated: 2018-01-13. Review status: criteria provided, single submitter. Criteria: ICSL Variant Classification Criteria 13 December 2019. Collection method: clinical testing. Allele origin: germline.
Comment: This variant was observed in the ICSL laboratory as part of a predisposition screen in an ostensibly healthy population. It had not been previously curated by ICSL or reported in the Human Gene Mutation Database (HGMD: prior to June 1st, 2018), and was therefore a candidate for classification through an automated scoring system. Utilizing variant allele frequency, disease prevalence and penetrance estimates, and inheritance mode, an automated score was calculated to assess if this variant is too frequent to cause the disease. Based on the score and internal cut-off values, a variant classified as likely benign is not then subjected to further curation. The score for this variant resulted in a classification of likely benign for this disease.

Illumina Laboratory Services, Illumina
Classification: Likely benign for Myopathy, myofibrillar, 9, with early respiratory failure. Last evaluated: 2018-01-13. Review status: criteria provided, single submitter. Criteria: ICSL Variant Classification Criteria 13 December 2019. Collection method: clinical testing. Allele origin: germline.
Comment: the same text as in the submission from Illumina Laboratory Services, Illumina above.

Illumina Laboratory Services, Illumina
Classification: Uncertain significance for Early-onset myopathy with fatal cardiomyopathy. Last evaluated: 2018-01-13. Review status: criteria provided, single submitter. Criteria: ICSL Variant Classification Criteria 13 December 2019. Collection method: clinical testing. Allele origin: germline.

Illumina Laboratory Services, Illumina
Classification: Uncertain significance for Autosomal recessive limb-girdle muscular dystrophy type 2J. Last evaluated: 2018-01-13. Review status: criteria provided, single submitter. Criteria: ICSL Variant Classification Criteria 13 December 2019. Collection method: clinical testing. Allele origin: germline.

Labcorp Genetics (formerly Invitae), Labcorp
Classification: Uncertain significance for Dilated cardiomyopathy 1G; Autosomal recessive limb-girdle muscular dystrophy type 2J. Last evaluated: 2017-06-12. Review status: criteria provided, single submitter. Criteria: Invitae Variant Classification Sherloc (09022015). Collection method: clinical testing. Allele origin: germline.

Biesecker Lab/Clinical Genomics Section, National Institutes of Health
Classification: Uncertain significance. Last evaluated: 2013-06-24. Review status: criteria provided, single submitter. Criteria: Ng et al. (Circ Cardiovasc Genet. 2013). Collection method: research. Allele origin: unknown. Observed: 1 variant allele. Study: ClinSeq.
Comment: The study set was not selected for affection status in relation to any cancer. Pathogenicity categories were based on literature curation. See Pubmed ID:23861362 for details.

Medical sequencing

Clinical Genetics DNA and cytogenetics Diagnostics Lab, Erasmus MC, Erasmus Medical Center
Classification: Uncertain significance. Review status: no assertion criteria provided. Collection method: clinical testing. Allele origin: germline. Affected: yes. Study: VKGL Data-share Consensus. Not counted in ClinVar's aggregate classification.

Joint Genome Diagnostic Labs from Nijmegen and Maastricht, Radboudumc and MUMC+
Classification: Uncertain significance. Review status: no assertion criteria provided. Collection method: clinical testing. Allele origin: germline. Affected: yes. Study: VKGL Data-share Consensus. Not counted in ClinVar's aggregate classification.

Literature cited by the submitters: PubMed 26516846 (cited by Women's Health and Genetics/Laboratory Corporation of America, LabCorp and Athena Diagnostics); PubMed 31983221 (cited by Athena Diagnostics); PubMed 23861362 (cited by Ambry Genetics).

NM_001267550.2(TTN):c.63877G>A (p.Asp21293Asn)

Genes: TTN (titin; minus strand), TTN-AS1 (TTN antisense RNA 1; plus strand). Cytogenetic location: 2q31.2.
Variant type: single nucleotide variant.
Coding change: c.63877G>A on transcript NM_001267550.2 (MANE Select); coding-DNA position 63877, G replaced by A.
Protein change: p.Asp21293Asn; replaces aspartic acid 21293 with asparagine.
Molecular consequence: missense variant.
Genome position (GRCh38, 1-based): chr2:178,587,334, C>T on the plus strand (G>A on the coding strand, the complement: TTN is on the minus strand). VCF-style: chr2-178587334-C-T. GRCh37 (hg19) VCF-style: chr2-179452061-C-T.
Other names: p.D19652N:GAC>AAC; c.58954G>A, p.Asp19652Asn (NM_001256850.1); c.36682G>A, p.Asp12228Asn (NM_003319.4); c.56173G>A, p.Asp18725Asn (NM_133378.4); c.37057G>A, p.Asp12353Asn (NM_133432.3); c.37258G>A, p.Asp12420Asn (NM_133437.4); c.63877G>A (NM_001267550.1); short protein forms D18725N, D21293N, D19652N, D12420N, D12228N, D12353N.
Identifiers: ClinVar variation 191923 (VCV000191923.29), dbSNP rs199505416, ClinGen allele CA302457.